The following is an entry in ClinVar:

NM_006912.6(RIT1):c.338A>T (p.Glu113Val)

Gene: RIT1 (Ras like without CAAX 1; minus strand). Cytogenetic location: 1q22.
Variant type: single nucleotide variant.
Coding change: c.338A>T on transcript NM_006912.6 (MANE Select); coding-DNA position 338, A replaced by T.
Protein change: p.Glu113Val; replaces glutamic acid 113 with valine.
Molecular consequence: missense variant.
Genome position (GRCh38, 1-based): chr1:155,904,402, T>A on the plus strand (A>T on the coding strand, the complement: RIT1 is on the minus strand). VCF-style: chr1-155904402-T-A. GRCh37 (hg19) VCF-style: chr1-155874193-T-A.
Other names: c.230A>T, p.Glu77Val (NM_001256820.2); c.389A>T, p.Glu130Val (NM_001256821.2); short protein forms E77V, E113V, E130V.
Identifiers: ClinVar variation 2160885 (VCV002160885.6), dbSNP rs1673388771, ClinGen allele CA342802431.

ClinVar aggregate classification (germline): Uncertain significance. Review status: criteria provided, multiple submitters, no conflicts (2 of 4 stars). 2 submissions from 2 submitters: Uncertain significance (2). Last evaluated 2025-12-20.

Conditions:
Noonan syndrome 8 (NS8). Identifiers: Orphanet 648, MedGen C3809233, MONDO:0014143, OMIM 615355.

Allele frequency attached by ClinVar (database versions not stated): TOPMed below 0.00001; gnomAD exomes below 0.00001.

Submissions (2):

Labcorp Genetics (formerly Invitae), Labcorp
Classification: Uncertain significance for Noonan syndrome 8. Last evaluated: 2025-12-20. Review status: criteria provided, single submitter. Criteria: Invitae Variant Classification Sherloc (09022015). Collection method: clinical testing. Allele origin: germline.
Comment: This sequence change replaces glutamic acid, which is acidic and polar, with valine, which is neutral and non-polar, at codon 113 of the RIT1 protein (p.Glu113Val). This variant is not present in population databases (gnomAD no frequency). This missense change has been observed in individual(s) with clinical features of RIT1-related conditions (PMID: 31573083). ClinVar contains an entry for this variant (Variation ID: 2160885). Invitae Evidence Modeling of protein sequence and biophysical properties (such as structural, functional, and spatial information, amino acid conservation, physicochemical variation, residue mobility, and thermodynamic stability) indicates that this missense variant is not expected to disrupt RIT1 protein function with a negative predictive value of 95%. In summary, the available evidence is currently insufficient to determine the role of this variant in disease. Therefore, it has been classified as a Variant of Uncertain Significance.

Dasa
Classification: Uncertain significance. Last evaluated: 2025-10-03. Review status: criteria provided, single submitter. Criteria: DASA Assertion Criteria. Collection method: clinical testing. Allele origin: germline.
Comment: NM_006912.6(RIT1):c.338A>T (p.Glu113Val) is a missense variant that results in the substitution of glutamic acid with valine. This variant is rare in population databases. The currently available literature and clinical evidence are not sufficient to establish a definitive association between this variant and the reported condition. Therefore, this variant is classified as a variant of uncertain significance.

Literature cited by the submitters: PubMed 31573083 (cited by Labcorp Genetics (formerly Invitae), Labcorp).